The following continues an entry in ClinVar:

NM_000051.4(ATM):c.5932G>T (p.Glu1978Ter)

ClinVar aggregate classification (germline): Pathogenic. Pathogenic (33).

Submissions 14 to 29 of 36:

Laboratory of Medical Genetics, National & Kapodistrian University of Athens
Classification: Pathogenic for Ataxia-telangiectasia syndrome. Last evaluated: 2024-02-01. Review status: criteria provided, single submitter. Criteria: ACMG Guidelines, 2015. Collection method: curation. Allele origin: germline. Affected: no.

Ambry Genetics
Classification: Pathogenic for Hereditary cancer-predisposing syndrome. Last evaluated: 2024-01-26. Review status: criteria provided, single submitter. Criteria: Ambry Variant Classification Scheme 2023. Collection method: clinical testing. Allele origin: germline.
Comment: The p.E1978* mutation (also known as c.5932G>T), located in coding exon 39 of the ATM gene, results from a G to T substitution at nucleotide position 5932. This changes the amino acid from a glutamate to a stop codon within exon 40. This alteration has been reported in multiple individuals with ataxia-telangiectasia from various ethnic backgrounds and is likely a Russian founder mutation (Li A et al. Am. J. Med. Genet. 2000 May;92(3):170-7; Birrell GW et al. Hum. Mutat. 2005 Jun;25(6):593; Mitui M et al. Ann. Hum. Genet. 2005 Nov;69(Pt 6):657-64; Podralska MJ et al. Mol. Genet. Genomic Med. 2014 Nov;2(6):504-11). In addition, p.E1978* has been described as a breast cancer susceptibility allele of Eastern European origin (Bogdanova N et al. Breast Cancer Res. Treat. 2009 Nov;118(1):207-11). It was also seen in a patient with prostate cancer with a Gleason score of 9 (Pritchard CC et al. N. Engl. J. Med. 2016 Aug;375(5):443-53) and in cohorts of pancreatic cancer patients (Chaffee KG et al. Genet Med. 2018 01;20:119-127; Hu C et al. Cancer Epidemiol Biomarkers Prev. 2016 Jan;25:207-11). This mutation was shown to cause skipping of coding exon 39 (reported as exon 42), as well as a premature truncation in a subset of ATM transcripts (Teraoka SN et al. Am. J. Hum. Genet. 1999 Jun;64(6):1617-31). In addition to the clinical data presented in the literature, this alteration is expected to result in loss of function by aberrant splicing, premature protein truncation, or nonsense-mediated mRNA decay. As such, this alteration is interpreted as a disease-causing mutation.

Myriad Genetics, Inc.
Classification: Pathogenic for Familial cancer of breast. Last evaluated: 2024-01-26. Review status: criteria provided, single submitter. Criteria: Myriad Autosomal Dominant, Autosomal Recessive and X-Linked Classification Criteria (2023). Collection method: clinical testing. Allele origin: unknown.
Comment: This variant is considered pathogenic. This variant creates a termination codon and is predicted to result in premature protein truncation.

Clinical Genetics Laboratory, Skane University Hospital Lund
Classification: Pathogenic. Last evaluated: 2024-01-15. Review status: criteria provided, single submitter. Criteria: ACMG Guidelines, 2015. Collection method: clinical testing. Allele origin: germline. Affected: yes.

Institute of Immunology and Genetics Kaiserslautern
Classification: Pathogenic for Ataxia-telangiectasia syndrome; Familial cancer of breast. Last evaluated: 2023-03-22. Review status: criteria provided, single submitter. Criteria: ACMG Guidelines, 2015. Collection method: clinical testing. Allele origin: maternal.
Comment: ACMG Criteria: PVS1, PS3, PS4, PP5; Variant was found in heterozygous state.

3billion
Classification: Pathogenic for Ataxia-telangiectasia syndrome. Last evaluated: 2023-02-23. Review status: criteria provided, single submitter. Criteria: ACMG Guidelines, 2015. Collection method: clinical testing. Allele origin: unknown. Affected: yes.
Comment: The variant is observed at an extremely low frequency in the gnomAD v2.1.1 dataset (total allele frequency: 0.004%). This variant was predicted to result in a loss or disruption of normal protein function through nonsense-mediated decay (NMD) or protein truncation. Multiple pathogenic variants are reported downstream of the variant. The variant has been reported at least twice as pathogenic with clinical assertions and evidence for the classification (ClinVar ID: VCV000127414 / PMID: 9443866). Therefore, this variant is classified as Pathogenic according to the recommendation of ACMG/AMP guideline.

Genetics and Molecular Pathology, SA Pathology
Classification: Pathogenic for Familial cancer of breast. Last evaluated: 2022-12-23. Review status: criteria provided, single submitter. Criteria: ACMG Guidelines, 2015. Collection method: clinical testing. Allele origin: germline. Inheritance: Autosomal dominant inheritance. Affected: yes.

Centre for Mendelian Genomics, University Medical Centre Ljubljana
Classification: Pathogenic for Familial cancer of breast. Last evaluated: 2022-12-09. Review status: criteria provided, single submitter. Criteria: ACMG Guidelines, 2015. Collection method: research. Allele origin: germline. Affected: no.
Comment: PVS1, PS3_MOD, PM3_VSTR

Laboratorio de Genetica e Diagnostico Molecular, Hospital Israelita Albert Einstein
Classification: Pathogenic for Familial cancer of breast. Last evaluated: 2022-04-20. Review status: criteria provided, single submitter. Criteria: ACMG Guidelines, 2015. Collection method: clinical testing. Allele origin: germline. Affected: yes. Observed: 1 variant allele.
Comment: ACMG classification criteria: PVS1 very strong, PS3 supporting, PS4 strong, PM2 moderated, PM3 moderated

Cancer Variant Interpretation Group UK, Institute of Cancer Research, London
Classification: Pathogenic for Ataxia-telangiectasia syndrome. Last evaluated: 2022-04-08. Review status: criteria provided, single submitter. Criteria: ACMG Guidelines, 2015. Collection method: case-control. Allele origin: germline. Affected: yes. Observed: 20 variant alleles. Clinical features observed: Breast carcinoma (HP:0003002).
Comment: Data included in classification: Truncating nonsense variant with frameshift (DOI 10.1007/s10549-008-0189-9) (PVS1_vstr) Bogdanova et al 2008 (DOI 10.1007/s10549-008-0189-9) Mantel–Haenszel Odds Ratio (OR): 5.6, 95% CI: 1.3–21.4, P = 0.01 - p ≤0.05 and OR is above 2 (PS4_str) Termination at a codon prior to p.Arg3047 (PM5_sup) Identified in 8/32 alleles in probands with ataxia telangiectasia (DOI 10.1002/humu.9341) Observations in multiple ataxia telangiectasia cases (PMID: 15880721, 16266405, 17124347, 18807267, 19691550, 25614872, 18497957) (PM3_vstr) Data not included in classification: Multiple classification as pathogenic in ClinVar Allele frequency in Non-Finnish Europeans (NFE), gnomAD v2.1 Jan 2019: 5/102582 (0.005%). Variant frequency is at a frequency of ≥0.001%.

GeneDx
Classification: Pathogenic. Last evaluated: 2022-02-23. Review status: criteria provided, single submitter. Criteria: GeneDx Variant Classification Process June 2021. Collection method: clinical testing. Allele origin: germline. Affected: yes.
Comment: Predicted to result in protein truncation or nonsense mediated decay, either by premature stop or splice defect, in a gene for which loss-of-function is a known mechanism of disease (Telatar 1998, Teraoka 1999, Mitui 2005, Mort 2014); Observed in the heterozygous state in individuals with ATM-related cancers (Soukupova 2008, Huang 2015, Hu 2016, Pritchard 2016, Yang 2016, Decker 2017, Brand 2018, Isaacsson Velho 2018, Penkert 2018); Case control studies suggest this variant is associated with breast cancer (Bogdanova 2009, Zhang 2011); Not observed at significant frequency in large population cohorts (gnomAD); This variant is associated with the following publications: (PMID: 26483394, 26681312, 21514219, 24451234, 10817650, 16266405, 9872980, 8808599, 10330348, 19781682, 9443866, 18807267, 18497957, 26380989, 26506520, 25525159, 27112364, 10980530, 27449771, 27433846, 28779002, 29368341, 29625052, 30322717, 30113427, 30549301, 30067863, 30086788, 34426522, 32295079, 15880721, 33077847, 31589614, 33436325, 33726816, 32441320, 27535533)

Institute for Clinical Genetics, University Hospital TU Dresden, University Hospital TU Dresden
Classification: Pathogenic. Last evaluated: 2021-11-03. Review status: criteria provided, single submitter. Criteria: ACMG Guidelines, 2015. Collection method: clinical testing. Allele origin: germline.

Genetic Services Laboratory, University of Chicago
Classification: Pathogenic. Last evaluated: 2021-10-11. Review status: criteria provided, single submitter. Criteria: ACMG Guidelines, 2015. Collection method: clinical testing. Allele origin: germline. Affected: yes.
Comment: DNA sequence analysis of the ATM gene demonstrated a sequence change, c.5932G>T, in exon 40 that results in the creation of a premature stop codon at amino acid position 1978, p.Glu1978*. This variant is predicted to result in an abnormal transcript, which may be degraded, or may lead to the production of a truncated ATM protein with potentially abnormal function. The p.Glu1978* change has been described in the gnomAD database with a frequency of 0.009% in the European sub-population (dbSNP rs587779852) and is a prevalent ATM variant in the Eastern European population (PMIDs: 15880721, 16266405, 18807267). This sequence change has been described in several individuals with ataxia-telangiectasia and breast cancer (PMIDs: 26380989, 30549301, 15880721, 16266405, 25614872, 17124347, 19691550, 18807267, 28779002, 30086788). The p.Glu1978* change has also been observed in individuals with pancreatic cancer, ovarian cancer, gastric cancer, and prostate cancer (PMIDs: 30067863, 27449771, 30322717, 26506520, 29368341). Functional studies have demonstrated skipping of exon 40 in the presence of this sequence change (PMIDs: 9443866, 10330348, 24451234). These collective evidences indicate that this is a pathogenic sequence change.

Institute of Medical Genetics and Applied Genomics, University Hospital Tübingen
Classification: Pathogenic. Last evaluated: 2020-10-23. Review status: criteria provided, single submitter. Criteria: ACMG Guidelines, 2015. Collection method: clinical testing. Allele origin: germline. Inheritance: Unknown mechanism. Affected: yes.

CHEO Genetics Diagnostic Laboratory, Children's Hospital of Eastern Ontario
Classification: Pathogenic for Breast and/or ovarian cancer. Last evaluated: 2020-06-11. Review status: criteria provided, single submitter. Criteria: ACMG Guidelines, 2015. Collection method: clinical testing. Allele origin: germline.

Department of Molecular Diagnostics, Institute of Oncology Ljubljana
Classification: Pathogenic for Familial cancer of breast. Last evaluated: 2020-04-02. Review status: criteria provided, single submitter. Criteria: ACMG Guidelines, 2015. Collection method: clinical testing. Allele origin: germline. Affected: yes.